The following is an entry in ClinVar:

NM_000217.3(KCNA1):c.888G>C (p.Leu296Phe)

Gene: KCNA1 (potassium voltage-gated channel subfamily A member 1; plus strand). Cytogenetic location: 12p13.32.
Variant type: single nucleotide variant.
Coding change: c.888G>C on transcript NM_000217.3 (MANE Select); coding-DNA position 888, G replaced by C.
Protein change: p.Leu296Phe; replaces leucine 296 with phenylalanine.
Molecular consequence: missense variant.
Genome position (GRCh38, 1-based): chr12:4,912,266, G>C. VCF-style: chr12-4912266-G-C. GRCh37 (hg19) VCF-style: chr12-5021432-G-C.
Other names: short protein forms L296F.
Identifiers: ClinVar variation 966172 (VCV000966172.9), dbSNP rs1315748120, ClinGen allele CA383455560.
Genomic context (GRCh38, chr12:4,912,266, plus strand): 5'-GGAAGGAAACCAGAAGGGCGAGCAGGCCACCTCCCTGGCCATCCTCAGGGTCATCCGCTT[G>C]GTAAGGGTTTTTAGAATCTTCAAGCTCTCCCGCCACTCTAAGGGCCTCCAGATCCTGGGC-3'
Protein context (NP_000208.2, residues 286-306): TSLAILRVIR[Leu296Phe]VRVFRIFKLS

ClinVar aggregate classification (germline): Uncertain significance (1 of 4 stars; one submission).

Conditions:
Episodic ataxia type 1 (EA1). Also called: ATAXIA, EPISODIC, WITH MYOKYMIA; Episodic ataxia/myokymia syndrome; MYOKYMIA WITH PERIODIC ATAXIA; PAROXYSMAL ATAXIA WITH NEUROMYOTONIA, HEREDITARY. Identifiers: Orphanet 37612, Orphanet 972, MedGen C1719788, MONDO:0008047, OMIM 160120.

Submission:

Labcorp Genetics (formerly Invitae), Labcorp
Classification: Uncertain significance for Episodic ataxia type 1. Last evaluated: 2019-11-13. Review status: criteria provided, single submitter. Criteria: Invitae Variant Classification Sherloc (09022015). Collection method: clinical testing. Allele origin: germline.
Comment: In summary, the available evidence is currently insufficient to determine the role of this variant in disease. Therefore, it has been classified as a Variant of Uncertain Significance. Algorithms developed to predict the effect of missense changes on protein structure and function are either unavailable or do not agree on the potential impact of this missense change (SIFT: "Deleterious"; PolyPhen-2: "Probably Damaging"; Align-GVGD: "Class C15"). This variant has not been reported in the literature in individuals with KCNA1-related conditions. This variant is not present in population databases (ExAC no frequency). This sequence change replaces leucine with phenylalanine at codon 296 of the KCNA1 protein (p.Leu296Phe). The leucine residue is highly conserved and there is a small physicochemical difference between leucine and phenylalanine.